The following is an entry in ClinVar:

NM_000179.3(MSH6):c.177C>G (p.Pro59=)

Gene: MSH6 (mutS homolog 6; plus strand). Cytogenetic location: 2p16.3.
Variant type: single nucleotide variant.
Coding change: c.177C>G on transcript NM_000179.3 (MANE Select); coding-DNA position 177, C replaced by G.
Protein change: p.Pro59=; no amino-acid change (proline 59 retained).
Molecular consequence: synonymous variant. On other transcripts: 5 prime UTR variant (1).
Genome position (GRCh38, 1-based): chr2:47,783,410, C>G. VCF-style: chr2-47783410-C-G. GRCh37 (hg19) VCF-style: chr2-48010549-C-G.
Other names: c.177C>G (NM_000179.2); c.177C>G, p.Pro59= (NM_001281492.2); c.-560C>G (NM_001281493.2).
Identifiers: ClinVar variation 1077459 (VCV001077459.18), dbSNP rs1572698313, ClinGen allele CA426120714.

ClinVar aggregate classification (germline): Benign/Likely benign. Review status: criteria provided, multiple submitters, no conflicts (2 of 4 stars). 5 submissions from 5 submitters: Benign (1); Likely benign (4). Last evaluated 2025-07-31.

Conditions:
Hereditary nonpolyposis colorectal neoplasms. Identifiers: MedGen C0009405, MeSH D003123.
Hereditary cancer-predisposing syndrome. Also called: Tumor predisposition; Hereditary neoplastic syndrome; Neoplastic Syndromes, Hereditary; Hereditary Cancer Syndrome. Identifiers: Orphanet 140162, MedGen C0027672, MeSH D009386, MONDO:0015356.
Lynch syndrome. Identifiers: Orphanet 144, MedGen C4552100, MONDO:0005835. Disease mechanism: loss of function.
Lynch syndrome 5 (LYNCH5). Also called: Colorectal cancer, hereditary nonpolyposis, type 5; Hereditary non-polyposis colorectal cancer, type 5. Identifiers: Orphanet 144, MedGen C1833477, MONDO:0013710, OMIM 614350. Disease mechanism: loss of function.

Submissions (5):

Labcorp Genetics (formerly Invitae), Labcorp
Classification: Likely benign for Hereditary nonpolyposis colorectal neoplasms. Last evaluated: 2025-07-31. Review status: criteria provided, single submitter. Criteria: Invitae Variant Classification Sherloc (09022015). Collection method: clinical testing. Allele origin: germline.

Myriad Genetics, Inc.
Classification: Benign for Lynch syndrome 5. Last evaluated: 2024-12-17. Review status: criteria provided, single submitter. Criteria: Myriad Autosomal Dominant, Autosomal Recessive and X-Linked Classification Criteria (2023). Collection method: clinical testing. Allele origin: unknown.
Comment: This variant is considered benign. This variant is a silent/synonymous amino acid change and it is not expected to impact splicing.

All of Us Research Program, National Institutes of Health
Classification: Likely benign for Lynch syndrome. Last evaluated: 2023-12-01. Review status: criteria provided, single submitter. Criteria: ACMG Guidelines, 2015. Collection method: clinical testing. Allele origin: germline. Inheritance: Autosomal dominant inheritance. Observed: 1 variant allele, 1 heterozygote.
Comment: This study involves interpretation of variants in research participants for the purpose of population health screening. Participant phenotype was not available at the time of variant classification. Additional details can be found in publication PMID: 35346344, PMCID: PMC8962531

Ambry Genetics
Classification: Likely benign for Hereditary cancer-predisposing syndrome. Last evaluated: 2023-04-01. Review status: criteria provided, single submitter. Criteria: Ambry Variant Classification Scheme 2023. Collection method: clinical testing. Allele origin: germline.

Color Diagnostics, LLC DBA Color Health
Classification: Likely benign for Hereditary cancer-predisposing syndrome. Last evaluated: 2021-09-01. Review status: criteria provided, single submitter. Criteria: ACMG Guidelines, 2015. Collection method: clinical testing. Allele origin: germline.